The following is an entry in ClinVar:

NM_000108.5(DLD):c.19dup (p.Val7fs)

Gene: DLD (dihydrolipoamide dehydrogenase; plus strand). Cytogenetic location: 7q31.1.
Variant type: Duplication.
Coding change: c.19dup on transcript NM_000108.5 (MANE Select); coding-DNA position 19, one base duplicated (G; older notation c.19dupG).
Protein change: p.Val7fs; shifts the reading frame from valine 7.
Molecular consequence: frameshift variant. On other transcripts: 5 prime UTR variant (1).
Genome position (GRCh38, 1-based): chr7:107,891,269, G duplicated. VCF-style (leftmost placement, unchanged base first): chr7-107891268-T-TG. GRCh37 (hg19) VCF-style: chr7-107531713-T-TG.
Other names: c.-130dup (NM_001289750.1); c.19dup, p.Val7fs (NM_001289751.1, NM_001289752.1); short protein forms V7fs.
Identifiers: ClinVar variation 1726142 (VCV001726142.2), dbSNP rs2535557716, ClinGen allele CA2580076187.

ClinVar aggregate classification (germline): Likely pathogenic (1 of 4 stars; one submission).

Conditions:
Pyruvate dehydrogenase E3 deficiency (DLDD). Also called: Dihydrolipoamide Dehydrogenase (E3) Deficiency; Lipoamide dehydrogenase deficiency, lactic acidosis due to; Lipoamide dehydrogenase deficiency; DLD DEFICIENCY; E3 DEFICIENCY; Dihydrolipoamide Dehydrogenase Deficiency. Identifiers: Orphanet 2394, Orphanet 765, MedGen C5574660, MONDO:0009529, OMIM 246900.

Submission:

Myriad Genetics, Inc.
Classification: Likely pathogenic for Pyruvate dehydrogenase E3 deficiency. Last evaluated: 2022-05-18. Review status: criteria provided, single submitter. Criteria: Myriad Women's Health Autosomal Recessive and X-Linked Classification Criteria (2021). Collection method: clinical testing. Allele origin: unknown.
Comment: NM_000108.3(DLD):c.19dupG(V7Gfs*35) is expected to be pathogenic in the context of dihydrolipoamide dehydrogenase deficiency. This variant is predicted to lead to an abnormal or absent protein product due to the creation of a premature termination codon in DLD, a gene where loss-of-function variants are known to be pathogenic. Please note: this variant was assessed in the context of healthy population screening.